The following is an entry in ClinVar:

NM_002900.3(RBP3):c.910T>C (p.Cys304Arg)

Gene: RBP3 (retinol binding protein 3; plus strand). Cytogenetic location: 10q11.22.
Variant type: single nucleotide variant.
Coding change: c.910T>C on transcript NM_002900.3 (MANE Select); coding-DNA position 910, T replaced by C.
Protein change: p.Cys304Arg; replaces cysteine 304 with arginine.
Molecular consequence: missense variant.
Genome position (GRCh38, 1-based): chr10:47,349,394, T>C. VCF-style: chr10-47349394-T-C. GRCh37 (hg19) VCF-style: chr10-48389968-A-G.
Other names: short protein forms C304R.
Identifiers: ClinVar variation 957009 (VCV000957009.9), dbSNP rs782063142, ClinGen allele CA5487661.

ClinVar aggregate classification (germline): Uncertain significance (1 of 4 stars; one submission).

Allele frequency attached by ClinVar (database versions not stated): gnomAD 0.00001.
gnomAD v4.1: 9 of 1,611,910 alleles (0.00056%); highest among the groups gnomAD compares: Non-Finnish European, 0.00068%; no homozygotes.

Submission:

Labcorp Genetics (formerly Invitae), Labcorp
Classification: Uncertain significance. Last evaluated: 2024-04-25. Review status: criteria provided, single submitter. Criteria: Invitae Variant Classification Sherloc (09022015). Collection method: clinical testing. Allele origin: germline.
Comment: This sequence change replaces cysteine, which is neutral and slightly polar, with arginine, which is basic and polar, at codon 304 of the RBP3 protein (p.Cys304Arg). This variant is present in population databases (rs782063142, gnomAD 0.003%). This variant has not been reported in the literature in individuals affected with RBP3-related conditions. ClinVar contains an entry for this variant (Variation ID: 957009). An algorithm developed to predict the effect of missense changes on protein structure and function (PolyPhen-2) suggests that this variant is likely to be disruptive. In summary, the available evidence is currently insufficient to determine the role of this variant in disease. Therefore, it has been classified as a Variant of Uncertain Significance.